The following is an entry in ClinVar:

NM_012199.5(AGO1):c.1243A>G (p.Ile415Val)

Gene: AGO1 (argonaute RISC component 1; plus strand). Cytogenetic location: 1p34.3.
Variant type: single nucleotide variant.
Coding change: c.1243A>G on transcript NM_012199.5 (MANE Select); coding-DNA position 1243, A replaced by G.
Protein change: p.Ile415Val; replaces isoleucine 415 with valine.
Molecular consequence: missense variant.
Genome position (GRCh38, 1-based): chr1:35,902,050, A>G. VCF-style: chr1-35902050-A-G. GRCh37 (hg19) VCF-style: chr1-36367651-A-G.
Other names: c.1243A>G, p.Ile415Val (NM_001317122.2); c.1018A>G, p.Ile340Val (NM_001317123.2); short protein forms I340V, I415V.
Identifiers: ClinVar variation 2464319 (VCV002464319.2), dbSNP rs1472015606, ClinGen allele CA339376988.

ClinVar aggregate classification (germline): Uncertain significance (1 of 4 stars; one submission).

Conditions:
Inborn genetic diseases. Identifiers: MedGen C0950123, MeSH D030342.

gnomAD v4.1: 4 of 1,607,804 alleles (0.00025%); highest among the groups gnomAD compares: Non-Finnish European, 0.00034%; no homozygotes.

Submission:

Ambry Genetics
Classification: Uncertain significance for Inborn genetic diseases. Last evaluated: 2023-03-03. Review status: criteria provided, single submitter. Criteria: Ambry Variant Classification Scheme 2023. Collection method: clinical testing. Allele origin: germline.
Comment: The c.1243A>G (p.I415V) alteration is located in exon 10 (coding exon 10) of the AGO1 gene. This alteration results from an A to G substitution at nucleotide position 1243, causing the isoleucine (I) at amino acid position 415 to be replaced by a valine (V). Based on data from gnomAD, the G allele has an overall frequency of <0.001% (1/244188) total alleles studied. The highest observed frequency was 0.001% (1/110714) of European (non-Finnish) alleles. This amino acid position is well conserved in available vertebrate species. This alteration is predicted to be tolerated by in silico analysis. Based on insufficient or conflicting evidence, the clinical significance of this alteration remains unclear.